The following is an entry in ClinVar:

NM_004360.5(CDH1):c.1379T>A (p.Val460Glu)

Gene: CDH1 (cadherin 1; plus strand). Cytogenetic location: 16q22.1.
Variant type: single nucleotide variant.
Coding change: c.1379T>A on transcript NM_004360.5 (MANE Select); coding-DNA position 1379, T replaced by A.
Protein change: p.Val460Glu; replaces valine 460 with glutamic acid.
Molecular consequence: missense variant. On other transcripts: 5 prime UTR variant (2).
Genome position (GRCh38, 1-based): chr16:68,815,573, T>A. VCF-style: chr16-68815573-T-A. GRCh37 (hg19) VCF-style: chr16-68849476-T-A.
Other names: c.1196T>A, p.Val399Glu (NM_001317184.2); c.-170T>A (NM_001317185.2); c.-441T>A (NM_001317186.2); short protein forms V460E, V399E.
Identifiers: ClinVar variation 949599 (VCV000949599.5), dbSNP rs1960960367, ClinGen allele CA396462838.

ClinVar aggregate classification (germline): Conflicting classifications of pathogenicity. Review status: criteria provided, conflicting classifications (1 of 4 stars). 3 submissions from 3 submitters: Uncertain significance (2); Likely benign (1). Last evaluated 2026-05-07.

Conditions:
Hereditary cancer-predisposing syndrome. Also called: Hereditary Cancer Syndrome; Neoplastic Syndromes, Hereditary; Tumor predisposition; Hereditary neoplastic syndrome. Identifiers: Orphanet 140162, MedGen C0027672, MeSH D009386, MONDO:0015356.
Hereditary diffuse gastric adenocarcinoma (HDGC). Also called: DIFFUSE GASTRIC AND LOBULAR BREAST CANCER SYNDROME. Identifiers: Orphanet 26106, MedGen C1708349, MONDO:0007648, OMIM 137215.

Submissions (3):

Ambry Genetics
Classification: Likely benign for Hereditary cancer-predisposing syndrome. Last evaluated: 2026-05-07. Review status: criteria provided, single submitter. Criteria: Ambry Variant Classification Scheme 2023. Collection method: clinical testing. Allele origin: germline.

Labcorp Genetics (formerly Invitae), Labcorp
Classification: Uncertain significance for Hereditary diffuse gastric adenocarcinoma. Last evaluated: 2025-09-16. Review status: criteria provided, single submitter. Criteria: Invitae Variant Classification Sherloc (09022015). Collection method: clinical testing. Allele origin: germline.
Comment: This sequence change replaces valine, which is neutral and non-polar, with glutamic acid, which is acidic and polar, at codon 460 of the CDH1 protein (p.Val460Glu). This variant is not present in population databases (gnomAD no frequency). This variant has not been reported in the literature in individuals affected with CDH1-related conditions. ClinVar contains an entry for this variant (Variation ID: 949599). An algorithm developed to predict the effect of missense changes on protein structure and function outputs the following: PolyPhen-2: "Benign". The glutamic acid amino acid residue is found in multiple mammalian species, which suggests that this missense change does not adversely affect protein function. In summary, the available evidence is currently insufficient to determine the role of this variant in disease. Therefore, it has been classified as a Variant of Uncertain Significance.

Color Diagnostics, LLC DBA Color Health
Classification: Uncertain significance for Hereditary cancer-predisposing syndrome. Last evaluated: 2024-09-08. Review status: criteria provided, single submitter. Criteria: ACMG Guidelines, 2015. Collection method: clinical testing. Allele origin: germline.
Comment: This missense variant replaces valine with glutamic acid at codon 460 of the CDH1 protein. To our knowledge, functional studies have not been reported for this variant. This variant has not been reported in individuals affected with CDH1-related disorders in the literature. This variant has not been identified in the general population by the Genome Aggregation Database (gnomAD). The available evidence is insufficient to determine the role of this variant in disease conclusively. Therefore, this variant is classified as a Variant of Uncertain Significance.